The following is an entry in ClinVar:

ClinVar aggregate classification (germline): Uncertain significance. Review status: criteria provided, multiple submitters, no conflicts (2 of 4 stars). 2 submissions from 2 submitters: Uncertain significance (2). Last evaluated 2025-10-23.

Conditions:
Ornithine aminotransferase deficiency (GACR). Also called: HYPERORNITHINEMIA WITH GYRATE ATROPHY OF CHOROID AND RETINA; OAT DEFICIENCY; OKT DEFICIENCY; Ornithine ketoacid aminotransferase deficiency; Gyrate atrophy; Gyrate atrophy of choroid and retina. Identifiers: Orphanet 414, MedGen C0018425, MONDO:0009796, OMIM 258870.

Allele frequency attached by ClinVar (database versions not stated): TOPMed below 0.00001; ExAC 0.00001; gnomAD exomes 0.00001 and 0.00002; gnomAD 0.00002 and 0.00003; 1000 Genomes Project 30x 0.00016; 1000 Genomes Project 0.00020.
gnomAD v4.1: 15 of 1,614,134 alleles (0.00093%); highest among the groups gnomAD compares: East Asian, 0.0022%; no homozygotes.

Submissions (2):

Labcorp Genetics (formerly Invitae), Labcorp
Classification: Uncertain significance for Ornithine aminotransferase deficiency. Last evaluated: 2025-10-23. Review status: criteria provided, single submitter. Criteria: Invitae Variant Classification Sherloc (09022015). Collection method: clinical testing. Allele origin: germline.
Comment: This sequence change replaces isoleucine, which is neutral and non-polar, with threonine, which is neutral and polar, at codon 287 of the OAT protein (p.Ile287Thr). This variant is present in population databases (rs550949287, gnomAD 0.004%). This variant has not been reported in the literature in individuals affected with OAT-related conditions. ClinVar contains an entry for this variant (Variation ID: 1389202). Invitae Evidence Modeling of protein sequence and biophysical properties (such as structural, functional, and spatial information, amino acid conservation, physicochemical variation, residue mobility, and thermodynamic stability) indicates that this missense variant is expected to disrupt OAT protein function with a positive predictive value of 80%. In summary, the available evidence is currently insufficient to determine the role of this variant in disease. Therefore, it has been classified as a Variant of Uncertain Significance.

Victorian Clinical Genetics Services, Murdoch Childrens Research Institute
Classification: Uncertain significance for Ornithine aminotransferase deficiency. Last evaluated: 2020-05-21. Review status: criteria provided, single submitter. Criteria: ACMG Guidelines, 2015. Collection method: clinical testing. Allele origin: germline. Inheritance: Autosomal recessive inheritance. Affected: yes.
Comment: A heterozygous missense variant was identified, NM_000274.3(OAT):c.860T>C in exon 7 of 10 of the OAT gene. This substitution is predicted to create a moderate amino acid change from an isoleucine to a threonine at position 287 of the protein; NP_000265.1(OAT):p.(Ile287Thr). The isoleucine at this position has low conservation (100 vertebrates, UCSC), and is located within the ornithine aminotransferase domain (NCBI). In silico software predicts this variant to be damaging (PolyPhen2, PROVEAN, MutationAssessor, FATHMM). The variant is present in the gnomAD population database at a global population frequency of 0.002% (5 heterozygotes, 0 homozygotes) with a European sub-population frequency of 0.0035%. This variant has not been previously reported in clinical cases. Based on information available at the time of curation, this variant has been classified as a VUS.

NM_000274.4(OAT):c.860T>C (p.Ile287Thr)

Gene: OAT (ornithine aminotransferase; minus strand). Cytogenetic location: 10q26.13.
Variant type: single nucleotide variant.
Coding change: c.860T>C on transcript NM_000274.4 (MANE Select); coding-DNA position 860, T replaced by C.
Protein change: p.Ile287Thr; replaces isoleucine 287 with threonine.
Molecular consequence: missense variant.
Genome position (GRCh38, 1-based): chr10:124,402,967, A>G on the plus strand (T>C on the coding strand, the complement: OAT is on the minus strand). VCF-style: chr10-124402967-A-G. GRCh37 (hg19) VCF-style: chr10-126091536-A-G.
Other names: c.446T>C, p.Ile149Thr (NM_001171814.2); c.860T>C, p.Ile287Thr (NM_001322965.2, NM_001322966.2, NM_001322967.2 and 3 more transcripts); c.539T>C, p.Ile180Thr (NM_001322971.2); c.260T>C, p.Ile87Thr (NM_001322974.2); short protein forms I180T, I287T, I87T, I149T.
Identifiers: ClinVar variation 1389202 (VCV001389202.5), dbSNP rs550949287, ClinGen allele CA5733407.